The following is an entry in ClinVar:

NM_001042517.2(DIAPH3):c.3027+1G>T

Gene: DIAPH3 (diaphanous related formin 3; minus strand). Cytogenetic location: 13q21.2.
Variant type: single nucleotide variant.
Coding change: c.3027+1G>T on transcript NM_001042517.2 (MANE Select); the canonical splice donor site of the intron after coding-DNA position 3027, G replaced by T.
Molecular consequence: splice donor variant.
Genome position (GRCh38, 1-based): chr13:59,833,106, C>A on the plus strand (G>T on the coding strand, the complement: DIAPH3 is on the minus strand). VCF-style: chr13-59833106-C-A. GRCh37 (hg19) VCF-style: chr13-60407240-C-A.
Other names: c.2817+1G>T (NM_001258368.2); c.2889+1G>T (NM_001258367.2); c.2994+1G>T (NM_001258366.2); c.3027+1G>T (NM_001258369.2); c.2238+1G>T (NM_030932.4).
Identifiers: ClinVar variation 2190390 (VCV002190390.4), dbSNP rs759339741, ClinGen allele CA6996219.

ClinVar aggregate classification (germline): Uncertain significance (1 of 4 stars; one submission).

Allele frequency attached by ClinVar (database versions not stated): ExAC 0.00001.
gnomAD v4.1: 32 of 1,606,422 alleles (0.002%); highest among the groups gnomAD compares: Non-Finnish European, 0.0027%; no homozygotes.

Submission:

Labcorp Genetics (formerly Invitae), Labcorp
Classification: Uncertain significance. Last evaluated: 2025-08-29. Review status: criteria provided, single submitter. Criteria: Invitae Variant Classification Sherloc (09022015). Collection method: clinical testing. Allele origin: germline.
Comment: This sequence change affects a donor splice site in intron 24 of the DIAPH3 gene. It is expected to disrupt RNA splicing. Variants that disrupt the donor or acceptor splice site typically lead to a loss of protein function (PMID: 16199547), however the current clinical and genetic evidence is not sufficient to establish whether loss-of-function variants in DIAPH3 cause disease. This variant is present in population databases (rs759339741, gnomAD 0.0009%). This variant has not been reported in the literature in individuals affected with DIAPH3-related conditions. ClinVar contains an entry for this variant (Variation ID: 2190390). Algorithms developed to predict the effect of sequence changes on RNA splicing suggest that this variant may disrupt the consensus splice site. In summary, the available evidence is currently insufficient to determine the role of this variant in disease. Therefore, it has been classified as a Variant of Uncertain Significance.

Literature cited by the submitters: PubMed 16199547.